The following is an entry in ClinVar:

NM_001165963.4(SCN1A):c.4002+2387T>G

Genes: SCN1A (sodium voltage-gated channel alpha subunit 1; minus strand), LOC102724058 (uncharacterized LOC102724058; plus strand). Cytogenetic location: 2q24.3.
Variant type: single nucleotide variant.
Coding change: c.4002+2387T>G on transcript NM_001165963.4 (MANE Select); 2387 bases into the intron after coding-DNA position 4002, T replaced by G.
Molecular consequence: intron variant.
Genome position (GRCh38, 1-based): chr2:166,007,332, A>C on the plus strand (T>G on the coding strand, the complement: SCN1A is on the minus strand). VCF-style: chr2-166007332-A-C. GRCh37 (hg19) VCF-style: chr2-166863842-A-C.
Other names: c.4002+2387T>G (NM_001202435.3, NM_001353948.2); c.3966+2387T>G (NM_001353955.2, NM_001353954.2); c.3918+2387T>G (NM_001353957.2, NM_001165964.3, NM_001353958.2); c.3969+2387T>G (NM_001353951.2, NM_001353952.2, NM_006920.6 and 2 more transcripts); c.3915+2387T>G (NM_001353960.2); c.1560+2387T>G (NM_001353961.2).
Identifiers: ClinVar variation 3700306 (VCV003700306.2).

ClinVar aggregate classification (germline): Uncertain significance (1 of 4 stars; one submission).

Conditions:
Early-infantile DEE. Also called: Early infantile epileptic encephalopathy with suppression bursts; Early infantile epileptic encephalopathy; Ohtahara syndrome. Identifiers: Orphanet 1934, MedGen C0393706, MONDO:0800491.

gnomAD v4.1: 2 of 151,256 alleles (0.0013%); highest among the groups gnomAD compares: Non-Finnish European, 0.003%; no homozygotes.

Submission:

Labcorp Genetics (formerly Invitae), Labcorp
Classification: Uncertain significance for Early-infantile DEE. Last evaluated: 2024-09-11. Review status: criteria provided, single submitter. Criteria: Invitae Variant Classification Sherloc (09022015). Collection method: clinical testing. Allele origin: germline.
Comment: This sequence change falls in intron 20 of the SCN1A gene. It does not directly change the encoded amino acid sequence of the SCN1A protein. However, this sequence change falls within a region encompassing a cryptic exon in the SCN1A gene, in which variants have been shown to alter splicing (PMID: 30526861, 34107977). This variant is not present in population databases (gnomAD no frequency). This variant has not been reported in the literature in individuals affected with SCN1A-related conditions. Algorithms developed to predict the effect of sequence changes on RNA splicing suggest that this variant is not likely to affect RNA splicing. In summary, the available evidence is currently insufficient to determine the role of this variant in disease. Therefore, it has been classified as a Variant of Uncertain Significance.

Literature cited by the submitters: PubMed 30526861; PubMed 34107977.